The following is an entry in ClinVar:

NM_005422.4(TECTA):c.2398T>A (p.Phe800Ile)

Genes: TBCEL-TECTA (TBCEL-TECTA readthrough; plus strand), TECTA (tectorin alpha; plus strand), LOC126861365 (P300/CBP strongly-dependent group 1 enhancer GRCh37_chr11:121000154-121001353; plus strand). Cytogenetic location: 11q23.3.
Variant type: single nucleotide variant.
Coding change: c.2398T>A on transcript NM_005422.4 (MANE Select); coding-DNA position 2398, T replaced by A.
Protein change: p.Phe800Ile; replaces phenylalanine 800 with isoleucine.
Molecular consequence: missense variant.
Genome position (GRCh38, 1-based): chr11:121,129,668, T>A. VCF-style: chr11-121129668-T-A. GRCh37 (hg19) VCF-style: chr11-121000377-T-A.
Other names: c.3355T>A, p.Phe1119Ile (NM_001378761.1); short protein forms F1119I, F800I.
Identifiers: ClinVar variation 4979358 (VCV004979358.1).

ClinVar aggregate classification (germline): Uncertain significance (1 of 4 stars; one submission).

Conditions:
TECTA-related disorder. Also called: TECTA-related condition.

gnomAD v4.1: 18 of 1,614,100 alleles (0.0011%); highest among the groups gnomAD compares: Non-Finnish European, 0.0014%; no homozygotes.

Submission:

PreventionGenetics, part of Exact Sciences
Classification: Uncertain significance for TECTA-related condition. Last evaluated: 2026-06-09. Review status: criteria provided, single submitter. Criteria: ACMG Guidelines, 2015. Collection method: clinical testing. Allele origin: germline.
Comment: The TECTA c.2398T>A variant is predicted to result in the amino acid substitution p.Phe800Ile. To our knowledge, this variant has not been reported in the literature or in a large population database (gnomAD), indicating this variant is rare. At this time, the clinical significance of this variant is uncertain due to the absence of conclusive functional and genetic evidence.